The following is an entry in ClinVar:

NM_006005.3(WFS1):c.104A>G (p.Gln35Arg)

Gene: WFS1 (wolframin ER transmembrane glycoprotein; plus strand). Cytogenetic location: 4p16.1.
Variant type: single nucleotide variant.
Coding change: c.104A>G on transcript NM_006005.3 (MANE Select); coding-DNA position 104, A replaced by G.
Protein change: p.Gln35Arg; replaces glutamine 35 with arginine.
Molecular consequence: missense variant.
Genome position (GRCh38, 1-based): chr4:6,277,559, A>G. VCF-style: chr4-6277559-A-G. GRCh37 (hg19) VCF-style: chr4-6279286-A-G.
Other names: c.104A>G, p.Gln35Arg (NM_001145853.1); short protein forms Q35R.
Identifiers: ClinVar variation 1359645 (VCV001359645.8), dbSNP rs1250693798, ClinGen allele CA356169648.
Genomic context (GRCh38, chr4:6,277,559, plus strand): 5'-CCCCGCCAGCACCGCAGCCCCAGGCGCGTTCCCGACTCAATGCCACAGCCTCGTTGGAGC[A>G]GGAGAGGAGCGAAAGGCCCCGAGCACCCGGACCCCAGGCTGGCCCTGGCCCTGGTGTTAG-3'
Protein context (NP_005996.2, residues 25-45): SRLNATASLE[Gln35Arg]ERSERPRAPG

ClinVar aggregate classification (germline): Uncertain significance (1 of 4 stars; one submission).

gnomAD v4.1: 2 of 1,590,192 alleles (0.00013%); highest among the groups gnomAD compares: Non-Finnish European, 0.00017%; no homozygotes.

Submission:

Labcorp Genetics (formerly Invitae), Labcorp
Classification: Uncertain significance. Last evaluated: 2022-03-10. Review status: criteria provided, single submitter. Criteria: Invitae Variant Classification Sherloc (09022015). Collection method: clinical testing. Allele origin: germline.
Comment: In summary, the available evidence is currently insufficient to determine the role of this variant in disease. Therefore, it has been classified as a Variant of Uncertain Significance. Advanced modeling of protein sequence and biophysical properties (such as structural, functional, and spatial information, amino acid conservation, physicochemical variation, residue mobility, and thermodynamic stability) performed at Invitae indicates that this missense variant is not expected to disrupt WFS1 protein function. This variant has not been reported in the literature in individuals affected with WFS1-related conditions. This variant is present in population databases (no rsID available, gnomAD 0.007%). This sequence change replaces glutamine, which is neutral and polar, with arginine, which is basic and polar, at codon 35 of the WFS1 protein (p.Gln35Arg).